The following is an entry in ClinVar:

ClinVar aggregate classification (germline): Benign. Review status: criteria provided, multiple submitters, no conflicts (2 of 4 stars). 3 submissions from 3 submitters: Benign (2). 1 of the submissions does not count toward it. Last evaluated 2025-12-29.

Conditions:
PLCG2-related disorder. Also called: PLCG2-related condition.
Familial cold autoinflammatory syndrome 3 (FCAS3). Also called: ANTIBODY DEFICIENCY AND IMMUNE DYSREGULATION, PLCG2-ASSOCIATED; FAMILIAL ATYPICAL COLD URTICARIA. Identifiers: Orphanet 300359, MedGen C3280914, MONDO:0013766, OMIM 614468.

Allele frequency attached by ClinVar (database versions not stated): gnomAD exomes 0.00002 and 0.00010; TOPMed 0.00003; ExAC 0.00011; gnomAD 0.00004.
gnomAD v4.1: 45 of 1,614,040 alleles (0.0028%); highest among the groups gnomAD compares: East Asian, 0.085%; no homozygotes.

Submissions (3):

Labcorp Genetics (formerly Invitae), Labcorp
Classification: Benign for Familial cold autoinflammatory syndrome 3. Last evaluated: 2025-12-29. Review status: criteria provided, single submitter. Criteria: Invitae Variant Classification Sherloc (09022015). Collection method: clinical testing. Allele origin: germline.

CeGaT Center for Human Genetics Tuebingen
Classification: Benign. Last evaluated: 2022-08-01. Review status: criteria provided, single submitter. Criteria: CeGaT Center For Human Genetics Tuebingen Variant Classification Criteria Version 2. Collection method: clinical testing. Allele origin: germline. Affected: yes. Observed: 1 variant allele.
Comment: PLCG2: BS1, BS2

PreventionGenetics, part of Exact Sciences
Classification: Likely benign for PLCG2-related condition. Last evaluated: 2019-08-08. Review status: no assertion criteria provided. Collection method: clinical testing. Allele origin: germline. Not counted in ClinVar's aggregate classification.
Comment: This variant is classified as likely benign based on ACMG/AMP sequence variant interpretation guidelines (Richards et al. 2015 PMID: 25741868, with internal and published modifications).

NM_002661.5(PLCG2):c.1073-8C>G

Gene: PLCG2 (phospholipase C gamma 2; plus strand). Cytogenetic location: 16q23.3.
Variant type: single nucleotide variant.
Coding change: c.1073-8C>G on transcript NM_002661.5 (MANE Select); 8 bases into the intron before coding-DNA position 1073, C replaced by G.
Molecular consequence: intron variant.
Genome position (GRCh38, 1-based): chr16:81,895,799, C>G. VCF-style: chr16-81895799-C-G. GRCh37 (hg19) VCF-style: chr16-81929404-C-G.
Identifiers: ClinVar variation 746503 (VCV000746503.39), dbSNP rs372603106, ClinGen allele CA8193596.
Genomic context (GRCh38, chr16:81,895,799, plus strand): 5'-CCGGGGGCTGACCTCGGGGCTGTCAGTGAACACACGTGGTATTGAGGCTGCCGCGTTTCT[C>G]CCTGTAGTGGACTGCTGGGACGGGCCCGATGGGAAGCCGGTCATCTACCATGGCTGGACG-3'